The following is an entry in ClinVar:

ClinVar aggregate classification (germline): Uncertain significance (1 of 4 stars; one submission).

Conditions:
Primary ciliary dyskinesia 23 (CILD23). Also called: CILIARY DYSKINESIA, PRIMARY, 23, WITH OR WITHOUT SITUS INVERSUS. Identifiers: Orphanet 244, MedGen C3809548, MONDO:0014193, OMIM 615451.

gnomAD v4.1: 4 of 1,611,916 alleles (0.00025%); highest among the groups gnomAD compares: East Asian, 0.0089%; no homozygotes.

Submission:

Juno Genomics, Hangzhou Juno Genomics, Inc
Classification: Uncertain significance for Primary ciliary dyskinesia 23. Review status: criteria provided, single submitter. Criteria: ACMG Guidelines, 2015. Collection method: clinical testing. Allele origin: germline.
Comment: Absent from controls (or at extremely low frequency if recessive) in Genome Aggregation Database.;Multiple lines of computational evidence support a deleterious effect on the gene or gene product.

NM_018076.5(ODAD2):c.1733T>G (p.Ile578Ser)

Gene: ODAD2 (outer dynein arm docking complex subunit 2; minus strand). Cytogenetic location: 10p12.1.
Variant type: single nucleotide variant.
Coding change: c.1733T>G on transcript NM_018076.5 (MANE Select); coding-DNA position 1733, T replaced by G.
Protein change: p.Ile578Ser; replaces isoleucine 578 with serine.
Molecular consequence: missense variant.
Genome position (GRCh38, 1-based): chr10:27,944,232, A>C on the plus strand (T>G on the coding strand, the complement: ODAD2 is on the minus strand). VCF-style: chr10-27944232-A-C. GRCh37 (hg19) VCF-style: chr10-28233161-A-C.
Other names: c.1733T>G, p.Ile578Ser (NM_001290020.2); c.308T>G, p.Ile103Ser (NM_001290021.2); c.809T>G, p.Ile270Ser (NM_001312689.2); short protein forms I270S, I103S, I578S.
Identifiers: ClinVar variation 5007707 (VCV005007707.2).
Genomic context (GRCh38, chr10:27,944,232, plus strand): 5'-TGCAGTGGCGGCTGGCACTAGATGACGATGACAACATCACGGCTACTCACCAGTTTGGTG[A>C]TACCCCCGTGCTGCCTCACCACCCGCCGTGCTCTTTTAAACTTGGCAACATTCGCGATAG-3'
Protein context (NP_060546.2, residues 568-588): ARRVVRQHGG[Ile578Ser]TKLVALLDCA